The following is an entry in ClinVar:

ClinVar aggregate classification (germline): Pathogenic (1 of 4 stars; one submission).

Conditions:
Ataxia-telangiectasia syndrome (AT). Also called: ATAXIA-TELANGIECTASIA, COMPLEMENTATION GROUP A; ATAXIA-TELANGIECTASIA, FRESNO VARIANT; Ataxia-telangiectasia; Ataxia-telangiectasia, complementation group E; LOUIS-BAR SYNDROME; Cerebello-oculocutaneous telangiectasia. Identifiers: Orphanet 100, MedGen C0004135, MONDO:0008840, OMIM 208900.

Submission:

Labcorp Genetics (formerly Invitae), Labcorp
Classification: Pathogenic for Ataxia-telangiectasia syndrome. Last evaluated: 2022-02-28. Review status: criteria provided, single submitter. Criteria: Invitae Variant Classification Sherloc (09022015). Collection method: clinical testing. Allele origin: germline.
Comment: This variant is not present in population databases (gnomAD no frequency). For these reasons, this variant has been classified as Pathogenic. This variant has not been reported in the literature in individuals affected with ATM-related conditions. This sequence change creates a premature translational stop signal (p.Cys2092*) in the ATM gene. It is expected to result in an absent or disrupted protein product. Loss-of-function variants in ATM are known to be pathogenic (PMID: 23807571, 25614872).

Literature cited by the submitters: PubMed 23807571; PubMed 25614872.

NM_000051.4(ATM):c.6269_6275dup (p.Cys2092Ter)

Genes: C11orf65 (chromosome 11 open reading frame 65; minus strand), ATM (ATM serine/threonine kinase; plus strand). Cytogenetic location: 11q22.3.
Variant type: Duplication.
Coding change: c.6269_6275dup on transcript NM_000051.4 (MANE Select); coding-DNA positions 6269 to 6275, 7 bases duplicated (ACTGGTG; older notation c.6269_6275dupACTGGTG).
Protein change: p.Cys2092Ter; replaces cysteine 2092 with a stop codon.
Molecular consequence: nonsense. On other transcripts: intron variant (2).
Genome position (GRCh38, 1-based): chr11:108,317,443-108,317,449, ACTGGTG duplicated; duplicating any 7 consecutive bases within chr11:108,317,442-108,317,449 gives the same sequence; the c. name uses the placement nearest the transcript's 3' end. VCF-style (leftmost placement, unchanged base first): chr11-108317441-A-AGACTGGT. GRCh37 (hg19) VCF-style: chr11-108188168-A-AGACTGGT.
Other names: c.6269_6275dup, p.Cys2092Ter (NM_001351834.2); c.641-8377_641-8371dup (NM_001330368.2); c.*39-8377_*39-8371dup (NM_001351110.2); short protein forms C2092*.
Identifiers: ClinVar variation 2104475 (VCV002104475.4), dbSNP rs2547115063, ClinGen allele CA2580083386.